The following is an entry in ClinVar:

ClinVar aggregate classification (germline): Pathogenic (1 of 4 stars; one submission).

Conditions:
Arrhythmogenic cardiomyopathy with wooly hair and keratoderma. Also called: PALMOPLANTAR KERATODERMA WITH LEFT VENTRICULAR CARDIOMYOPATHY AND WOOLLY HAIR; Carvajal syndrome; Dilated cardiomyopathy with woolly hair and keratoderma; Arrhythmogenic cardiomyopathy with woolly hair and keratoderma. Identifiers: Orphanet 65282, MedGen C1854063, MONDO:0011581, OMIM 605676.
Arrhythmogenic right ventricular dysplasia 8 (ARVD8). Also called: Arrhythmogenic Right Ventricular Dysplasia/Cardiomyopathy 8; ARRHYTHMOGENIC RIGHT VENTRICULAR DYSPLASIA, FAMILIAL, 8; ARRHYTHMOGENIC RIGHT VENTRICULAR CARDIOMYOPATHY 8. Identifiers: MedGen C1843896, MONDO:0011831, OMIM 607450.

Submission:

Labcorp Genetics (formerly Invitae), Labcorp
Classification: Pathogenic for Arrhythmogenic cardiomyopathy with wooly hair and keratoderma; Arrhythmogenic right ventricular dysplasia 8. Last evaluated: 2023-07-13. Review status: criteria provided, single submitter. Criteria: Invitae Variant Classification Sherloc (09022015). Collection method: clinical testing. Allele origin: germline.
Comment: This variant is not present in population databases (gnomAD no frequency). For these reasons, this variant has been classified as Pathogenic. This variant has not been reported in the literature in individuals affected with DSP-related conditions. This sequence change creates a premature translational stop signal (p.Gln1635Serfs*10) in the DSP gene. It is expected to result in an absent or disrupted protein product. Loss-of-function variants in DSP are known to be pathogenic (PMID: 20716751, 24503780, 25227139).

Literature cited by the submitters: PubMed 20716751; PubMed 24503780; PubMed 25227139.

NM_004415.4(DSP):c.4902del (p.Gln1635fs)

Gene: DSP (desmoplakin; plus strand). Cytogenetic location: 6p24.3.
Variant type: Deletion.
Coding change: c.4902del on transcript NM_004415.4 (MANE Select); coding-DNA position 4902, one base deleted (G; older notation c.4902delG).
Protein change: p.Gln1635fs; shifts the reading frame from glutamine 1635.
Molecular consequence: frameshift variant. On other transcripts: intron variant (2).
Genome position (GRCh38, 1-based): chr6:7,581,092, G deleted; the last of 2 consecutive G bases (chr6:7,581,091-7,581,092); deleting either gives the same sequence. VCF-style (leftmost placement, unchanged base first): chr6-7581090-CG-C. GRCh37 (hg19) VCF-style: chr6-7581323-CG-C.
Other names: c.4050+852del (NM_001319034.2); c.3582+1320del (NM_001008844.3); short protein forms Q1635fs.
Identifiers: ClinVar variation 2949843 (VCV002949843.3), dbSNP rs2533930806, ClinGen allele CA2740090885.